The following is an entry in ClinVar:

ClinVar aggregate classification (germline): Uncertain significance (1 of 4 stars; one submission).

Conditions:
Cardiovascular phenotype. Identifiers: MedGen CN230736.

gnomAD v4.1: 17 of 1,580,546 alleles (0.0011%); highest among the groups gnomAD compares: Non-Finnish European, 0.0015%; no homozygotes.

Submission:

Molecular Diagnostic Laboratory for Inherited Cardiovascular Disease, Montreal Heart Institute
Classification: Uncertain significance for Cardiovascular phenotype. Last evaluated: 2025-04-09. Review status: criteria provided, single submitter. Criteria: ACMG Guidelines, 2015. Collection method: clinical testing. Allele origin: germline. Affected: yes.
Comment: PM2

NM_001018005.2(TPM1):c.*81C>T

Gene: TPM1 (tropomyosin 1; plus strand). Cytogenetic location: 15q22.2.
Variant type: single nucleotide variant.
Coding change: c.*81C>T on transcript NM_001018005.2 (MANE Select); 81 bases downstream of the stop codon, C replaced by T.
Molecular consequence: 3 prime UTR variant. On other transcripts: missense variant (5), non-coding transcript variant (6), intron variant (14).
Genome position (GRCh38, 1-based): chr15:63,065,980, C>T. VCF-style: chr15-63065980-C-T. GRCh37 (hg19) VCF-style: chr15-63358179-C-T.
Other names: c.*129C>T (NM_000366.6, NM_001365779.1, NM_001407323.1 and 1 more transcripts); c.*81C>T (NM_001301244.2, NM_001330346.2, NM_001407322.1 and 3 more transcripts); c.857C>T, p.Ser286Phe (NM_001365777.1, NM_001407327.1, NM_001407328.1); c.749C>T, p.Ser250Phe (NM_001365780.1, NM_001407342.1); c.*1834C>T (NM_001365781.2, NM_001365782.1, NM_001407333.1 and 1 more transcripts); c.898+3335C>T (NM_001365778.1); c.772+3335C>T (NM_001407336.1, NM_001018020.2, NM_001407338.1 and 5 more transcripts); c.851+1838C>T (NM_001407326.1); and 1 more; short protein forms S250F, S286F.
Identifiers: ClinVar variation 3895162 (VCV003895162.1), dbSNP rs775604378.